The following is an entry in ClinVar:

ClinVar aggregate classification (germline): Likely benign (1 of 4 stars; one submission).

Allele frequency attached by ClinVar (database versions not stated): gnomAD exomes below 0.00001; gnomAD 0.00001; TOPMed 0.00001.
gnomAD v4.1: 5 of 1,555,964 alleles (0.00032%); highest among the groups gnomAD compares: Admixed American, 0.0033%; no homozygotes.

Submission:

GeneDx
Classification: Likely benign. Last evaluated: 2016-11-15. Review status: criteria provided, single submitter. Criteria: GeneDx Variant Classification (06012015). Collection method: clinical testing. Allele origin: germline. Affected: yes.
Comment: This variant is considered likely benign or benign based on one or more of the following criteria: it is a conservative change, it occurs at a poorly conserved position in the protein, it is predicted to be benign by multiple in silico algorithms, and/or has population frequency not consistent with disease.

NM_015340.4(LARS2):c.1124-8C>G

Genes: LARS2 (leucyl-tRNA synthetase 2, mitochondrial; plus strand), LARS2-AS1 (LARS2 antisense RNA 1; minus strand). Cytogenetic location: 3p21.31.
Variant type: single nucleotide variant.
Coding change: c.1124-8C>G on transcript NM_015340.4 (MANE Select); 8 bases into the intron before coding-DNA position 1124, C replaced by G.
Molecular consequence: intron variant.
Genome position (GRCh38, 1-based): chr3:45,488,689, C>G. VCF-style: chr3-45488689-C-G. GRCh37 (hg19) VCF-style: chr3-45530181-C-G.
Other names: c.1124-8C>G (NM_001368263.1).
Identifiers: ClinVar variation 390688 (VCV000390688.1), dbSNP rs1057523863, ClinGen allele CA16604598.